The following is an entry in ClinVar:

ClinVar aggregate classification (germline): Uncertain significance. Review status: criteria provided, multiple submitters, no conflicts (2 of 4 stars). 3 submissions from 3 submitters: Uncertain significance (3). Last evaluated 2026-07-07.

Conditions:
Hereditary cancer-predisposing syndrome. Also called: Hereditary Cancer Syndrome; Neoplastic Syndromes, Hereditary; Hereditary neoplastic syndrome; Tumor predisposition. Identifiers: Orphanet 140162, MedGen C0027672, MeSH D009386, MONDO:0015356.
Familial adenomatous polyposis 1 (FAP1). Also called: FAMILIAL ADENOMATOUS POLYPOSIS 1, ATTENUATED; POLYPOSIS, ADENOMATOUS INTESTINAL. Identifiers: MedGen C2713442, MONDO:0021056, OMIM 175100. Disease mechanism: loss of function.

Submissions (3):

Ambry Genetics
Classification: Uncertain significance for Hereditary cancer-predisposing syndrome. Last evaluated: 2026-07-07. Review status: criteria provided, single submitter. Criteria: Ambry Variant Classification Scheme 2023. Collection method: clinical testing. Allele origin: germline.
Comment: The p.R2673K variant (also known as c.8018G>A), located in coding exon 15 of the APC gene, results from a G to A substitution at nucleotide position 8018. The arginine at codon 2673 is replaced by lysine, an amino acid with highly similar properties. This amino acid position is conserved. In addition, in silico predictors for this gene do not accurately predict pathogenicity. Based on the available evidence, the clinical significance of this variant remains unclear.

Color Diagnostics, LLC DBA Color Health
Classification: Uncertain significance for Hereditary cancer-predisposing syndrome. Last evaluated: 2025-08-20. Review status: criteria provided, single submitter. Criteria: ACMG Guidelines, 2015. Collection method: clinical testing. Allele origin: germline.
Comment: This missense variant replaces arginine with lysine at codon 2673 of the APC protein. Computational prediction suggests that this variant may not impact protein structure and function. APC is defined as a gene for which primarily truncating variants are known to cause disease (ClinGen HCCP VCEP). To our knowledge, functional studies have not been reported for this variant. This variant has not been reported in individuals affected with APC-related disorders in the literature. This variant has not been identified in the general population by the Genome Aggregation Database (gnomAD). The available evidence is insufficient to determine the role of this variant in disease conclusively. Therefore, this variant is classified as a Variant of Uncertain Significance.

Labcorp Genetics (formerly Invitae), Labcorp
Classification: Uncertain significance for Familial adenomatous polyposis 1. Last evaluated: 2022-08-22. Review status: criteria provided, single submitter. Criteria: Invitae Variant Classification Sherloc (09022015). Collection method: clinical testing. Allele origin: germline.
Comment: Algorithms developed to predict the effect of missense changes on protein structure and function (SIFT, PolyPhen-2, Align-GVGD) all suggest that this variant is likely to be tolerated. ClinVar contains an entry for this variant (Variation ID: 1391692). This variant has not been reported in the literature in individuals affected with APC-related conditions. This variant is not present in population databases (gnomAD no frequency). This sequence change replaces arginine, which is basic and polar, with lysine, which is basic and polar, at codon 2673 of the APC protein (p.Arg2673Lys). In summary, the available evidence is currently insufficient to determine the role of this variant in disease. Therefore, it has been classified as a Variant of Uncertain Significance.

NM_000038.6(APC):c.8018G>A (p.Arg2673Lys)

Gene: APC (APC regulator of Wnt signaling pathway; plus strand). Cytogenetic location: 5q22.2.
Variant type: single nucleotide variant.
Coding change: c.8018G>A on transcript NM_000038.6 (MANE Select); coding-DNA position 8018, G replaced by A.
Protein change: p.Arg2673Lys; replaces arginine 2673 with lysine.
Molecular consequence: missense variant.
Genome position (GRCh38, 1-based): chr5:112,843,612, G>A. VCF-style: chr5-112843612-G-A. GRCh37 (hg19) VCF-style: chr5-112179309-G-A.
Other names: c.8018G>A, p.Arg2673Lys (NM_001127510.3, NM_001354895.2); c.7964G>A, p.Arg2655Lys (NM_001127511.3); c.8072G>A, p.Arg2691Lys (NM_001354896.2); c.8048G>A, p.Arg2683Lys (NM_001354897.2); c.7943G>A, p.Arg2648Lys (NM_001354898.2); c.7934G>A, p.Arg2645Lys (NM_001354899.2); c.7895G>A, p.Arg2632Lys (NM_001354900.2); c.7841G>A, p.Arg2614Lys (NM_001354901.2); and 6 more; short protein forms R2513K, R2614K, R2645K, R2648K, R2390K, R2547K, R2572K, R2632K.
Identifiers: ClinVar variation 1391692 (VCV001391692.7), dbSNP rs539168162, ClinGen allele CA16038745.
Genomic context (GRCh38, chr5:112,843,612, plus strand): 5'-AAACAGAGGATGTTTGGGTGAGAATTGAGGACTGTCCCATTAACAATCCTAGATCTGGAA[G>A]ATCTCCCACAGGTAATACTCCCCCGGTGATTGACAGTGTTTCAGAAAAGGCAAATCCAAA-3'
Protein context (NP_000029.2, residues 2663-2683): DCPINNPRSG[Arg2673Lys]SPTGNTPPVI